The following is an entry in ClinVar:

NM_152383.5(DIS3L2):c.172_173delinsCT (p.Asp58Leu)

Gene: DIS3L2 (DIS3 like 3'-5' exoribonuclease 2; plus strand). Cytogenetic location: 2q37.1.
Variant type: Indel.
Coding change: c.172_173delinsCT on transcript NM_152383.5 (MANE Select); coding-DNA positions 172 to 173, GA replaced by CT.
Protein change: p.Asp58Leu; replaces aspartic acid 58 with leucine.
Molecular consequence: missense variant. On other transcripts: non-coding transcript variant (2).
Genome position (GRCh38, 1-based): chr2:232,015,633-232,015,634, GA replaced by CT. VCF-style: chr2-232015633-GA-CT. GRCh37 (hg19) VCF-style: chr2-232880343-GA-CT.
Other names: c.172_173delGAinsCT (NM_152383.4); c.172_173delinsCT, p.Asp58Leu (NM_001257281.2, NM_001257282.2); short protein forms D58L.
Identifiers: ClinVar variation 639172 (VCV000639172.8), dbSNP rs1574812832, ClinGen allele CA915941792.

ClinVar aggregate classification (germline): Uncertain significance (1 of 4 stars; one submission).

Conditions:
Perlman syndrome (PRLMNS). Identifiers: Orphanet 2849, MedGen C0796113, MONDO:0009965, OMIM 267000.

Submission:

Labcorp Genetics (formerly Invitae), Labcorp
Classification: Uncertain significance for Perlman syndrome. Last evaluated: 2024-08-13. Review status: criteria provided, single submitter. Criteria: Invitae Variant Classification Sherloc (09022015). Collection method: clinical testing. Allele origin: germline.
Comment: This sequence change replaces aspartic acid, which is acidic and polar, with leucine, which is neutral and non-polar, at codon 58 of the DIS3L2 protein (p.Asp58Leu). The frequency data for this variant in the population databases is considered unreliable, as metrics indicate poor data quality at this position in the gnomAD database. This variant has not been reported in the literature in individuals affected with DIS3L2-related conditions. ClinVar contains an entry for this variant (Variation ID: 639172). An algorithm developed to predict the effect of missense changes on protein structure and function (PolyPhen-2) suggests that this variant is likely to be tolerated. In summary, the available evidence is currently insufficient to determine the role of this variant in disease. Therefore, it has been classified as a Variant of Uncertain Significance.